The following is an entry in ClinVar:

NM_000232.5(SGCB):c.474C>G (p.Asn158Lys)

Gene: SGCB (sarcoglycan beta; minus strand). Cytogenetic location: 4q12.
Variant type: single nucleotide variant.
Coding change: c.474C>G on transcript NM_000232.5 (MANE Select); coding-DNA position 474, C replaced by G.
Protein change: p.Asn158Lys; replaces asparagine 158 with lysine.
Molecular consequence: missense variant.
Genome position (GRCh38, 1-based): chr4:52,028,877, G>C on the plus strand (C>G on the coding strand, the complement: SGCB is on the minus strand). VCF-style: chr4-52028877-G-C. GRCh37 (hg19) VCF-style: chr4-52895043-G-C.
Other names: short protein forms N158K.
Identifiers: ClinVar variation 1431132 (VCV001431132.3), dbSNP rs1412020365, ClinGen allele CA356877009.

ClinVar aggregate classification (germline): Uncertain significance (1 of 4 stars; one submission).

Conditions:
Autosomal recessive limb-girdle muscular dystrophy type 2E (LGMDR4). Also called: MUSCULAR DYSTROPHY, LIMB-GIRDLE, AUTOSOMAL RECESSIVE 4. Identifiers: Orphanet 119, MedGen C1858593, MONDO:0011423, OMIM 604286. Disease mechanism: Affects gamma-sarcoglycan and also disrupts the integrity of the entire sarcoglycan complex..

Allele frequency attached by ClinVar (database versions not stated): gnomAD exomes below 0.00001.
gnomAD v4.1: 1 of 1,613,866 alleles (0.000062%); highest among the groups gnomAD compares: Non-Finnish European, 0.000085%; no homozygotes.

Submission:

Labcorp Genetics (formerly Invitae), Labcorp
Classification: Uncertain significance for Autosomal recessive limb-girdle muscular dystrophy type 2E. Last evaluated: 2021-12-01. Review status: criteria provided, single submitter. Criteria: Invitae Variant Classification Sherloc (09022015). Collection method: clinical testing. Allele origin: germline.
Comment: This sequence change replaces asparagine, which is neutral and polar, with lysine, which is basic and polar, at codon 158 of the SGCB protein (p.Asn158Lys). This variant is present in population databases (no rsID available, gnomAD 0.0009%). This variant has not been reported in the literature in individuals affected with SGCB-related conditions. Algorithms developed to predict the effect of missense changes on protein structure and function (SIFT, PolyPhen-2, Align-GVGD) all suggest that this variant is likely to be tolerated. In summary, the available evidence is currently insufficient to determine the role of this variant in disease. Therefore, it has been classified as a Variant of Uncertain Significance.